The following is an entry in ClinVar:

NM_000528.4(MAN2B1):c.1516_1519del (p.Thr506fs)

Gene: MAN2B1 (mannosidase alpha class 2B member 1; minus strand). Cytogenetic location: 19p13.13.
Variant type: Deletion.
Coding change: c.1516_1519del on transcript NM_000528.4 (MANE Select); coding-DNA positions 1516 to 1519, 4 bases deleted (ACGG; older notation c.1516_1519delACGG).
Protein change: p.Thr506fs; shifts the reading frame from threonine 506.
Molecular consequence: frameshift variant.
Genome position (GRCh38, 1-based): chr19:12,656,957-12,656,960, CCGT deleted on the plus strand (ACGG on the coding strand, the reverse complement: MAN2B1 is on the minus strand); deleting any 4 consecutive bases within chr19:12,656,957-12,656,961 gives the same sequence; the c. name uses the placement nearest the transcript's 3' end. VCF-style (leftmost placement, unchanged base first): chr19-12656956-GCCGT-G. GRCh37 (hg19) VCF-style: chr19-12767770-GCCGT-G.
Other names: c.1513_1516del, p.Thr505fs (NM_001173498.2); short protein forms T506fs, T505fs.
Identifiers: ClinVar variation 813440 (VCV000813440.2), dbSNP rs1599349822, ClinGen allele CA915952887.

ClinVar aggregate classification (germline): Pathogenic/Likely pathogenic. Review status: criteria provided, multiple submitters, no conflicts (2 of 4 stars). 2 submissions from 2 submitters: Pathogenic (1); Likely pathogenic (1). Last evaluated 2025-09-01.

Conditions:
Deficiency of alpha-mannosidase (MANSA). Also called: Alpha-Mannosidosis; LYSOSOMAL ALPHA-D-MANNOSIDASE DEFICIENCY; Mannosidosis, alpha-, types I and II. Identifiers: Orphanet 61, MedGen C0024748, MONDO:0009561, OMIM 248500.

Submissions (2):

Labcorp Genetics (formerly Invitae), Labcorp
Classification: Pathogenic for Deficiency of alpha-mannosidase. Last evaluated: 2025-09-01. Review status: criteria provided, single submitter. Criteria: Invitae Variant Classification Sherloc (09022015). Collection method: clinical testing. Allele origin: germline.
Comment: This sequence change creates a premature translational stop signal (p.Thr506Argfs*16) in the MAN2B1 gene. It is expected to result in an absent or disrupted protein product. Loss-of-function variants in MAN2B1 are known to be pathogenic (PMID: 9915946, 22161967). This variant is not present in population databases (gnomAD no frequency). This variant has not been reported in the literature in individuals affected with MAN2B1-related conditions. ClinVar contains an entry for this variant (Variation ID: 813440). For these reasons, this variant has been classified as Pathogenic.

Baylor Genetics
Classification: Likely pathogenic for Deficiency of alpha-mannosidase. Review status: criteria provided, single submitter. Criteria: ACMG Guidelines, 2015. Collection method: clinical testing. Allele origin: germline.

Literature cited by the submitters: PubMed 9915946 (cited by Labcorp Genetics (formerly Invitae), Labcorp); PubMed 22161967 (cited by Labcorp Genetics (formerly Invitae), Labcorp).